The following is an entry in ClinVar:

ClinVar aggregate classification (germline): Uncertain significance. Review status: criteria provided, multiple submitters, no conflicts (2 of 4 stars). 3 submissions from 3 submitters: Uncertain significance (3). Last evaluated 2024-07-10.

Conditions:
Anemia, congenital dyserythropoietic, type 1a (CDAN1A). Also called: DYSERYTHROPOIETIC ANEMIA, CONGENITAL, TYPE Ia; CDAN1-Related Congenital Dyserythropoietic Anemia. Identifiers: MedGen C5574667, MONDO:0009135, OMIM 224120.

Submissions (3):

ARUP Laboratories, Molecular Genetics and Genomics, ARUP Laboratories
Classification: Uncertain significance for Anemia, congenital dyserythropoietic, type 1a. Last evaluated: 2024-07-10. Review status: criteria provided, single submitter. Criteria: ARUP Molecular Germline Variant Investigation Process 2024. Collection method: clinical testing. Allele origin: germline.

Revvity Omics, Revvity
Classification: Uncertain significance for Anemia, congenital dyserythropoietic, type 1a. Last evaluated: 2023-11-27. Review status: criteria provided, single submitter. Criteria: ACMG Guidelines, 2015. Collection method: clinical testing. Allele origin: germline.

Labcorp Genetics (formerly Invitae), Labcorp
Classification: Uncertain significance. Last evaluated: 2023-02-11. Review status: criteria provided, single submitter. Criteria: Invitae Variant Classification Sherloc (09022015). Collection method: clinical testing. Allele origin: germline.
Comment: This variant, c.1495_1500dup, results in the insertion of 2 amino acid(s) of the CDAN1 protein (p.Ser499_His500dup), but otherwise preserves the integrity of the reading frame. This variant is present in population databases (rs778227051, gnomAD 0.04%). This variant has not been reported in the literature in individuals affected with CDAN1-related conditions. ClinVar contains an entry for this variant (Variation ID: 315948). In summary, the available evidence is currently insufficient to determine the role of this variant in disease. Therefore, it has been classified as a Variant of Uncertain Significance.

NM_138477.4(CDAN1):c.1489AGCCAC[3] (p.497SH[3])

Gene: CDAN1 (codanin 1; minus strand). Cytogenetic location: 15q15.2.
Variant type: Microsatellite.
Coding change: c.1489AGCCAC[3] on transcript NM_138477.4 (MANE Select); three copies in a row of the 6-base unit AGCCAC starting at c.1489; the reference has two copies in a row; one copy, 6 bases duplicated; also written c.1495_1500dup.
Protein change: p.497SH[3].
Molecular consequence: inframe insertion.
Genome position (GRCh38, 1-based): chr15:42,732,366-42,732,371, GTGGCT duplicated on the plus strand (AGCCAC on the coding strand, the reverse complement: CDAN1 is on the minus strand); duplicating any 6 consecutive bases within chr15:42,732,366-42,732,378 gives the same sequence; the position shown is the placement nearest the transcript's 3' end. VCF-style (leftmost placement, unchanged base first): chr15-42732365-A-AGTGGCT. GRCh37 (hg19) VCF-style: chr15-43024563-A-AGTGGCT.
Other names: c.1495_1500dup (NM_138477.4).
Identifiers: ClinVar variation 315948 (VCV000315948.11), dbSNP rs778227051, ClinGen allele CA7516034.